The following is an entry in ClinVar:

ClinVar aggregate classification (germline): Likely pathogenic (1 of 4 stars; one submission).

Conditions:
Bloom syndrome (BLM). Also called: Bloom-Torre-Machacek syndrome. Identifiers: Orphanet 125, MedGen C0005859, MONDO:0008876, OMIM 210900.

Submission:

Labcorp Genetics (formerly Invitae), Labcorp
Classification: Likely pathogenic for Bloom syndrome. Last evaluated: 2019-12-02. Review status: criteria provided, single submitter. Criteria: Invitae Variant Classification Sherloc (09022015). Collection method: clinical testing. Allele origin: germline.
Comment: This sequence change affects an acceptor splice site in intron 14 of the BLM gene. It is expected to disrupt RNA splicing and likely results in an absent or disrupted protein product. In summary, the currently available evidence indicates that the variant is pathogenic, but additional data are needed to prove that conclusively. Therefore, this variant has been classified as Likely Pathogenic. Donor and acceptor splice site variants typically lead to a loss of protein function (PMID: 16199547), and loss-of-function variants in BLM are known to be pathogenic (PMID: 17407155). This variant has not been reported in the literature in individuals with BLM-related conditions. This variant is not present in population databases (ExAC no frequency).

Literature cited by the submitters: PubMed 16199547; PubMed 17407155.

NM_000057.4(BLM):c.2824-2A>C

Gene: BLM (BLM RecQ like helicase; plus strand). Cytogenetic location: 15q26.1.
Variant type: single nucleotide variant.
Coding change: c.2824-2A>C on transcript NM_000057.4 (MANE Select); the canonical splice acceptor site of the intron before coding-DNA position 2824, A replaced by C.
Molecular consequence: splice acceptor variant.
Genome position (GRCh38, 1-based): chr15:90,790,647, A>C. VCF-style: chr15-90790647-A-C. GRCh37 (hg19) VCF-style: chr15-91333877-A-C.
Other names: c.2824-2A>C (NM_001287246.2, NM_001287247.2); c.1699-2A>C (NM_001287248.2).
Identifiers: ClinVar variation 859495 (VCV000859495.8), dbSNP rs745538883, ClinGen allele CA393846210.
Genomic context (GRCh38, chr15:90,790,647, plus strand): 5'-TATGAAAATGTTCCTTCAAGTCTGTGCCTTATGAATCTAATAAGCTTTTGCTTTTATATC[A>C]GGTTATCTGTGCTACAATTGCATTTGGAATGGGGATTGACAAACCGGACGTGCGATTTGT-3'